The following is an entry in ClinVar:

ClinVar aggregate classification (germline): Uncertain significance. Review status: criteria provided, multiple submitters, no conflicts (2 of 4 stars). 3 submissions from 3 submitters: Uncertain significance (3). Last evaluated 2025-08-31.

Conditions:
Inborn genetic diseases. Identifiers: MedGen C0950123, MeSH D030342.

Allele frequency attached by ClinVar (database versions not stated): TOPMed 0.00008; ExAC 0.00002; gnomAD exomes 0.00002; gnomAD 0.00009.
gnomAD v4.1: 24 of 1,613,618 alleles (0.0015%); highest among the groups gnomAD compares: African/African-American, 0.025%; no homozygotes.

Submissions (3):

Labcorp Genetics (formerly Invitae), Labcorp
Classification: Uncertain significance. Last evaluated: 2025-08-31. Review status: criteria provided, single submitter. Criteria: Invitae Variant Classification Sherloc (09022015). Collection method: clinical testing. Allele origin: germline.
Comment: This sequence change replaces glutamic acid, which is acidic and polar, with glutamine, which is neutral and polar, at codon 1553 of the MYO3A protein (p.Glu1553Gln). This variant is present in population databases (rs746991326, gnomAD 0.02%). This variant has not been reported in the literature in individuals affected with MYO3A-related conditions. ClinVar contains an entry for this variant (Variation ID: 1506514). An algorithm developed to predict the effect of missense changes on protein structure and function (PolyPhen-2) suggests that this variant is likely to be tolerated. In summary, the available evidence is currently insufficient to determine the role of this variant in disease. Therefore, it has been classified as a Variant of Uncertain Significance.

Ambry Genetics
Classification: Uncertain significance for Inborn genetic diseases. Last evaluated: 2024-11-24. Review status: criteria provided, single submitter. Criteria: Ambry Variant Classification Scheme 2023. Collection method: clinical testing. Allele origin: germline.

GeneDx
Classification: Uncertain significance. Last evaluated: 2023-07-17. Review status: criteria provided, single submitter. Criteria: GeneDx Variant Classification Process June 2021. Collection method: clinical testing. Allele origin: germline.
Comment: In silico analysis supports that this missense variant does not alter protein structure/function; Has not been previously published as pathogenic or benign to our knowledge

NM_017433.5(MYO3A):c.4657G>C (p.Glu1553Gln)

Gene: MYO3A (myosin IIIA; plus strand). Cytogenetic location: 10p12.1.
Variant type: single nucleotide variant.
Coding change: c.4657G>C on transcript NM_017433.5 (MANE Select); coding-DNA position 4657, G replaced by C.
Protein change: p.Glu1553Gln; replaces glutamic acid 1553 with glutamine.
Molecular consequence: missense variant.
Genome position (GRCh38, 1-based): chr10:26,203,034, G>C. VCF-style: chr10-26203034-G-C. GRCh37 (hg19) VCF-style: chr10-26491963-G-C.
Other names: short protein forms E1553Q.
Identifiers: ClinVar variation 1506514 (VCV001506514.9), dbSNP rs746991326, ClinGen allele CA5445540.